The following is an entry in ClinVar:

ClinVar aggregate classification (germline): Uncertain significance (1 of 4 stars; one submission).

Conditions:
Primary ciliary dyskinesia. Also called: Ciliary dyskinesia. Identifiers: Orphanet 244, MedGen C0008780, MONDO:0016575, HP:0012265.

gnomAD v4.1: 20 of 1,607,076 alleles (0.0012%); highest among the groups gnomAD compares: East Asian, 0.0022%; no homozygotes.

Submission:

Labcorp Genetics (formerly Invitae), Labcorp
Classification: Uncertain significance for Primary ciliary dyskinesia. Last evaluated: 2024-09-27. Review status: criteria provided, single submitter. Criteria: Invitae Variant Classification Sherloc (09022015). Collection method: clinical testing. Allele origin: germline.
Comment: This sequence change replaces valine, which is neutral and non-polar, with methionine, which is neutral and non-polar, at codon 514 of the DNAAF5 protein (p.Val514Met). The frequency data for this variant in the population databases is considered unreliable, as metrics indicate poor data quality at this position in the gnomAD database. This variant has not been reported in the literature in individuals affected with DNAAF5-related conditions. Invitae Evidence Modeling of protein sequence and biophysical properties (such as structural, functional, and spatial information, amino acid conservation, physicochemical variation, residue mobility, and thermodynamic stability) indicates that this missense variant is not expected to disrupt DNAAF5 protein function with a negative predictive value of 80%. In summary, the available evidence is currently insufficient to determine the role of this variant in disease. Therefore, it has been classified as a Variant of Uncertain Significance.

NM_017802.4(DNAAF5):c.1540G>A (p.Val514Met)

Gene: DNAAF5 (dynein axonemal assembly factor 5; plus strand). Cytogenetic location: 7p22.3.
Variant type: single nucleotide variant.
Coding change: c.1540G>A on transcript NM_017802.4 (MANE Select); coding-DNA position 1540, G replaced by A.
Protein change: p.Val514Met; replaces valine 514 with methionine.
Molecular consequence: missense variant. On other transcripts: non-coding transcript variant (1).
Genome position (GRCh38, 1-based): chr7:761,822, G>A. VCF-style: chr7-761822-G-A. GRCh37 (hg19) VCF-style: chr7-801459-G-A.
Other names: short protein forms V514M.
Identifiers: ClinVar variation 3670620 (VCV003670620.1).